The following is an entry in ClinVar:

ClinVar aggregate classification (germline): other (0 of 4 stars; one submission).

Conditions:
Familial colorectal cancer. Identifiers: MedGen CN280943, MONDO:0023113. Disease mechanism: loss of function.

Allele frequency attached by ClinVar (database versions not stated): gnomAD 0.62184 and 0.62916; TOPMed 0.64185; 1000 Genomes Project 30x 0.69176; 1000 Genomes Project 0.69509.
gnomAD v4.1: 95,666 of 152,066 alleles (63%); highest among the groups gnomAD compares: East Asian, 82%; 30,443 homozygotes.

Submission:

Systems Biology Platform Zhejiang California International NanoSystems Institute
Classification: other for Familial colorectal cancer. Review status: no assertion criteria provided. Collection method: not provided. Allele origin: unknown.
ClinVar note: Converted during submission from cancer to other.

NM_000038.6(APC):c.934-998C>T

Gene: APC (APC regulator of WNT signaling pathway; plus strand). Cytogenetic location: 5q22.2.
Variant type: single nucleotide variant.
Coding change: c.934-998C>T on transcript NM_000038.6 (MANE Select); 998 bases into the intron before coding-DNA position 934, C replaced by T.
Molecular consequence: intron variant.
Genome position (GRCh38, 1-based): chr5:112,817,968, C>T. VCF-style: chr5-112817968-C-T. GRCh37 (hg19) VCF-style: chr5-112153665-C-T.
Other names: c.934-998C>T (NM_001354895.2, NM_001127510.3, NM_001354896.2); c.964-998C>T (NM_001354897.2); c.964-1301C>T (NM_001354902.2); c.880-998C>T (NM_001127511.3); c.859-998C>T (NM_001354898.2); c.859-1301C>T (NM_001354904.2); c.85-998C>T (NM_001354906.2); c.934-1301C>T (NM_001354903.2); and 3 more.
Identifiers: ClinVar variation 83113 (VCV000083113.2), dbSNP rs2545164, ClinGen allele CA015979.
Genomic context (GRCh38, chr5:112,817,968, plus strand): 5'-GCAGTCCTATACTGCCTTCCTAAAACTTTCATATCTAAAGGTGTATGTGTATTTACGCAT[C>T]TAAAGCAGCATTTCTAAACCTCAGCACTATTGGCTGGATAATTCTTTGTTGCATTCTAGA-3'